The following is an entry in ClinVar:

NM_013432.5(TONSL):c.3971T>C (p.Leu1324Pro)

Gene: TONSL (tonsoku like, DNA repair protein; minus strand). Cytogenetic location: 8q24.3.
Variant type: single nucleotide variant.
Coding change: c.3971T>C on transcript NM_013432.5 (MANE Select); coding-DNA position 3971, T replaced by C.
Protein change: p.Leu1324Pro; replaces leucine 1324 with proline.
Molecular consequence: missense variant.
Genome position (GRCh38, 1-based): chr8:144,429,309, A>G on the plus strand (T>C on the coding strand, the complement: TONSL is on the minus strand). VCF-style: chr8-144429309-A-G. GRCh37 (hg19) VCF-style: chr8-145654692-A-G.
Other names: short protein forms L1324P.
Identifiers: ClinVar variation 3658439 (VCV003658439.2).

ClinVar aggregate classification (germline): Uncertain significance (1 of 4 stars; one submission).

Submission:

Labcorp Genetics (formerly Invitae), Labcorp
Classification: Uncertain significance. Last evaluated: 2024-08-20. Review status: criteria provided, single submitter. Criteria: Invitae Variant Classification Sherloc (09022015). Collection method: clinical testing. Allele origin: germline.
Comment: This sequence change replaces leucine, which is neutral and non-polar, with proline, which is neutral and non-polar, at codon 1324 of the TONSL protein (p.Leu1324Pro). This variant is not present in population databases (gnomAD no frequency). This variant has not been reported in the literature in individuals affected with TONSL-related conditions. Invitae Evidence Modeling of protein sequence and biophysical properties (such as structural, functional, and spatial information, amino acid conservation, physicochemical variation, residue mobility, and thermodynamic stability) indicates that this missense variant is not expected to disrupt TONSL protein function with a negative predictive value of 80%. In summary, the available evidence is currently insufficient to determine the role of this variant in disease. Therefore, it has been classified as a Variant of Uncertain Significance.